The following is an entry in ClinVar:

ClinVar aggregate classification (germline): Likely benign. Review status: criteria provided, multiple submitters, no conflicts (2 of 4 stars). 3 submissions from 3 submitters: Likely benign (3). Last evaluated 2024-11-19.

Conditions:
Charcot-Marie-Tooth disease. Also called: Charcot-Marie-Tooth Hereditary Neuropathy; Charcot-Marie-Tooth Neuropathy. Identifiers: Orphanet 166, MedGen C0007959, MONDO:0015626.
Charcot-Marie-Tooth disease type 4A. Also called: Charcot-Marie-Tooth disease, demyelinating, autosomal recessive, type 4a. Identifiers: Orphanet 99948, MedGen C1859198, MONDO:0008961, OMIM 214400.

Allele frequency attached by ClinVar (database versions not stated): gnomAD exomes below 0.00001 and 0.00003; TOPMed below 0.00001; ExAC 0.00001.
gnomAD v4.1: 39 of 1,613,034 alleles (0.0024%); highest among the groups gnomAD compares: Non-Finnish European, 0.0032%; no homozygotes.

Submissions (3):

Mayo Clinic Laboratories, Mayo Clinic
Classification: Likely benign. Last evaluated: 2024-11-19. Review status: criteria provided, single submitter. Criteria: ACMG Guidelines, 2015. Collection method: clinical testing. Allele origin: germline. Observed: 1 variant allele.
Comment: BP4, BP7

Labcorp Genetics (formerly Invitae), Labcorp
Classification: Likely benign for Charcot-Marie-Tooth disease type 4A. Last evaluated: 2023-09-03. Review status: criteria provided, single submitter. Criteria: Invitae Variant Classification Sherloc (09022015). Collection method: clinical testing. Allele origin: germline.

Molecular Genetics Laboratory, London Health Sciences Centre
Classification: Likely benign for Charcot-Marie-Tooth disease. Review status: criteria provided, single submitter. Criteria: ACMG Guidelines, 2015. Collection method: clinical testing. Allele origin: germline. Affected: yes.

NM_018972.4(GDAP1):c.75G>A (p.Lys25=)

Genes: GDAP1 (ganglioside induced differentiation associated protein 1; plus strand), LOC130000622 (ATAC-STARR-seq lymphoblastoid active region 27542; plus strand). Cytogenetic location: 8q21.11.
Variant type: single nucleotide variant.
Coding change: c.75G>A on transcript NM_018972.4 (MANE Select); coding-DNA position 75, G replaced by A.
Protein change: p.Lys25=; no amino-acid change (lysine 25 retained).
Molecular consequence: synonymous variant. On other transcripts: 5 prime UTR variant (2), intron variant (1).
Genome position (GRCh38, 1-based): chr8:74,350,536, G>A. VCF-style: chr8-74350536-G-A. GRCh37 (hg19) VCF-style: chr8-75262771-G-A.
Other names: p.Lys25=; c.-108G>A (NM_001362929.2); c.75G>A, p.Lys25= (NM_001362930.2, NM_001362931.2); c.-60G>A (NM_001362932.2); c.-64+64G>A (NM_001040875.4).
Identifiers: ClinVar variation 917089 (VCV000917089.11), dbSNP rs761730309, ClinGen allele CA4785014.